The following is an entry in ClinVar:

ClinVar aggregate classification (germline): Likely benign. Review status: criteria provided, single submitter (1 of 4 stars). 2 submissions from 2 submitters: Likely benign (1). 1 of the submissions does not count toward it. Last evaluated 2024-04-01.

Conditions:
PPP2R2B-related disorder. Also called: PPP2R2B-related condition.

Allele frequency attached by ClinVar (database versions not stated): TOPMed 0.00028; ESP Exome Variant Server 0.00038; gnomAD exomes 0.00042; gnomAD 0.00047; ExAC 0.00048.
gnomAD v4.1: 681 of 1,613,150 alleles (0.042%); highest among the groups gnomAD compares: Non-Finnish European, 0.045%; 5 homozygotes.

Submissions (2):

CeGaT Center for Human Genetics Tuebingen
Classification: Likely benign. Last evaluated: 2024-04-01. Review status: criteria provided, single submitter. Criteria: CeGaT Center For Human Genetics Tuebingen Variant Classification Criteria Version 2. Collection method: clinical testing. Allele origin: germline. Affected: yes. Observed: 2 variant alleles.
Comment: PPP2R2B: BS1

PreventionGenetics, part of Exact Sciences
Classification: Likely benign for PPP2R2B-related condition. Last evaluated: 2019-05-09. Review status: no assertion criteria provided. Collection method: clinical testing. Allele origin: germline. Not counted in ClinVar's aggregate classification.
Comment: This variant is classified as likely benign based on ACMG/AMP sequence variant interpretation guidelines (Richards et al. 2015 PMID: 25741868, with internal and published modifications).

NM_181675.4(PPP2R2B):c.150A>G (p.Ile50Met)

Gene: PPP2R2B (protein phosphatase 2 regulatory subunit Bbeta; minus strand). Cytogenetic location: 5q32.
Variant type: single nucleotide variant.
Coding change: c.150A>G on transcript NM_181675.4 (MANE Select); coding-DNA position 150, A replaced by G.
Protein change: p.Ile50Met; replaces isoleucine 50 with methionine.
Molecular consequence: missense variant. On other transcripts: non-coding transcript variant (2).
Genome position (GRCh38, 1-based): chr5:146,701,063, T>C on the plus strand (A>G on the coding strand, the complement: PPP2R2B is on the minus strand). VCF-style: chr5-146701063-T-C. GRCh37 (hg19) VCF-style: chr5-146080626-T-C.
Other names: c.150A>G, p.Ile50Met (NM_001127381.1, NM_004576.2); c.168A>G, p.Ile56Met (NM_001271899.1); c.324A>G, p.Ile108Met (NM_001271900.2); c.117A>G, p.Ile39Met (NM_001271948.2, NM_181678.2); c.348A>G, p.Ile116Met (NM_181674.3); c.159A>G, p.Ile53Met (NM_181676.3); c.90A>G, p.Ile30Met (NM_181677.2); short protein forms I108M, I116M, I30M, I39M, I50M, I53M, I56M.
Identifiers: ClinVar variation 1711615 (VCV001711615.31), dbSNP rs140556908, ClinGen allele CA3492808.